The following is an entry in ClinVar:

NM_000088.4(COL1A1):c.3045+1G>A

Gene: COL1A1 (collagen type I alpha 1 chain; minus strand). Cytogenetic location: 17q21.33.
Variant type: single nucleotide variant.
Coding change: c.3045+1G>A on transcript NM_000088.4 (MANE Select); the canonical splice donor site of the intron after coding-DNA position 3045, G replaced by A.
Molecular consequence: splice donor variant.
Genome position (GRCh38, 1-based): chr17:50,188,902, C>T on the plus strand (G>A on the coding strand, the complement: COL1A1 is on the minus strand). VCF-style: chr17-50188902-C-T. GRCh37 (hg19) VCF-style: chr17-48266263-C-T.
Other names: c.3045+1G>A (LRG_1t1).
Identifiers: ClinVar variation 425587 (VCV000425587.13), dbSNP rs1114167382, ClinGen allele CA400203553.

ClinVar aggregate classification (germline): Pathogenic. Review status: criteria provided, multiple submitters, no conflicts (2 of 4 stars). 5 submissions from 5 submitters: Pathogenic (4). 1 of the submissions does not count toward it. Last evaluated 2025-06-18.

Conditions:
COL1A1-related disorder. Also called: COL1A1-related condition; COL1A1- related disease.
Osteogenesis imperfecta type I (OI1). Also called: OI, TYPE I; OSTEOGENESIS IMPERFECTA TARDA; OSTEOGENESIS IMPERFECTA WITH BLUE SCLERAE; Osteogenesis imperfecta type 1; Classic Non-deforming Osteogenesis Imperfecta with Blue Sclerae; Lobstein's Disease. Identifiers: Orphanet 216796, Orphanet 666, MedGen C0023931, MONDO:0008146, OMIM 166200. Disease mechanism: loss of function.

Submissions (5):

Clinical Biomedical Laboratory, Shriners Hospital For Children - Canada
Classification: Pathogenic for Osteogenesis imperfecta type I. Last evaluated: 2025-06-18. Review status: criteria provided, single submitter. Criteria: ACMG Guidelines, 2015. Collection method: clinical testing. Allele origin: germline. Affected: yes.
Comment: This variant affects a consensus splice site in COL1A1. This variant is absent from the gnomAD database (v2.1.1), indicating it is very rare. Variants affecting essential splice sites in COL1A1 are a typical cause of osteogenesis imperfecta. This variant has been previously reported in association with osteogenesis imperfecta type 1 (PMID: 25963598). We have observed this variant in four individuals with a diagnosis of osteogenesis imperfecta type I.

Labcorp Genetics (formerly Invitae), Labcorp
Classification: Pathogenic for Osteogenesis imperfecta type I. Last evaluated: 2025-03-17. Review status: criteria provided, single submitter. Criteria: Invitae Variant Classification Sherloc (09022015). Collection method: clinical testing. Allele origin: germline.
Comment: This sequence change affects a donor splice site in intron 41 of the COL1A1 gene. It is expected to disrupt RNA splicing. Variants that disrupt the donor or acceptor splice site typically lead to a loss of protein function (PMID: 16199547), and loss-of-function variants in COL1A1 are known to be pathogenic (PMID: 7942841, 9295084, 9443882). This variant is not present in population databases (gnomAD no frequency). Disruption of this splice site has been observed in individuals with osteogenesis imperfecta type 1 (PMID: 25963598). ClinVar contains an entry for this variant (Variation ID: 425587). Algorithms developed to predict the effect of sequence changes on RNA splicing suggest that this variant may disrupt the consensus splice site. For these reasons, this variant has been classified as Pathogenic.

GeneDx
Classification: Pathogenic. Last evaluated: 2022-10-17. Review status: criteria provided, single submitter. Criteria: GeneDx Variant Classification Process June 2021. Collection method: clinical testing. Allele origin: germline. Affected: yes.
Comment: Canonical splice site variant in a gene for which loss-of-function is a known mechanism of disease; Not observed in large population cohorts (gnomAD); This variant is associated with the following publications: (PMID: 25963598, 28498836)

Blueprint Genetics
Classification: Pathogenic for COL1A1-related disorders. Last evaluated: 2020-12-29. Review status: criteria provided, single submitter. Criteria: ACMG Guidelines, 2015. Collection method: clinical testing. Allele origin: germline. Affected: yes. Observed: 1 variant allele.

Department of Medical Sciences, Uppsala University
Classification: Pathogenic for OI type I. Review status: no assertion criteria provided. Collection method: clinical testing. Allele origin: unknown. Affected: yes. Observed: 1 variant allele. Not counted in ClinVar's aggregate classification.

Literature cited by the submitters: PubMed 25963598 (cited by Clinical Biomedical Laboratory, Shriners Hospital For Children - Canada and Labcorp Genetics (formerly Invitae), Labcorp); PubMed 16199547 (cited by Labcorp Genetics (formerly Invitae), Labcorp); PubMed 7942841 (cited by Labcorp Genetics (formerly Invitae), Labcorp); PubMed 9295084 (cited by Labcorp Genetics (formerly Invitae), Labcorp); PubMed 9443882 (cited by Labcorp Genetics (formerly Invitae), Labcorp); PubMed 25944380 (cited by Department of Medical Sciences, Uppsala University).